The following is an entry in ClinVar:

ClinVar aggregate classification (germline): Uncertain significance (1 of 4 stars; one submission).

Conditions:
Aspartylglucosaminuria (AGU). Also called: AGA DEFICIENCY; GLYCOASPARAGINASE; GLYCOSYLASPARAGINASE DEFICIENCY; Aspartylglucos-aminuria; Aspartylglucos-amidase (AGA) deficiency. Identifiers: Orphanet 93, MedGen C0268225, MONDO:0008830, OMIM 208400, HP:0012068.

gnomAD v4.1: 1 of 1,601,070 alleles (0.000062%); highest among the groups gnomAD compares: Non-Finnish European, 0.000086%; no homozygotes.

Submission:

Labcorp Genetics (formerly Invitae), Labcorp
Classification: Uncertain significance for Aspartylglucosaminuria. Last evaluated: 2024-09-23. Review status: criteria provided, single submitter. Criteria: Invitae Variant Classification Sherloc (09022015). Collection method: clinical testing. Allele origin: germline.
Comment: This sequence change replaces isoleucine, which is neutral and non-polar, with methionine, which is neutral and non-polar, at codon 172 of the AGA protein (p.Ile172Met). This variant is not present in population databases (gnomAD no frequency). This variant has not been reported in the literature in individuals affected with AGA-related conditions. Invitae Evidence Modeling of protein sequence and biophysical properties (such as structural, functional, and spatial information, amino acid conservation, physicochemical variation, residue mobility, and thermodynamic stability) has been performed for this missense variant. However, the output from this modeling did not meet the statistical confidence thresholds required to predict the impact of this variant on AGA protein function. In summary, the available evidence is currently insufficient to determine the role of this variant in disease. Therefore, it has been classified as a Variant of Uncertain Significance.

NM_000027.4(AGA):c.516A>G (p.Ile172Met)

Gene: AGA (aspartylglucosaminidase; minus strand). Cytogenetic location: 4q34.3.
Variant type: single nucleotide variant.
Coding change: c.516A>G on transcript NM_000027.4 (MANE Select); coding-DNA position 516, A replaced by G.
Protein change: p.Ile172Met; replaces isoleucine 172 with methionine.
Molecular consequence: missense variant. On other transcripts: non-coding transcript variant (1).
Genome position (GRCh38, 1-based): chr4:177,437,511, T>C on the plus strand (A>G on the coding strand, the complement: AGA is on the minus strand). VCF-style: chr4-177437511-T-C. GRCh37 (hg19) VCF-style: chr4-178358665-T-C.
Other names: c.516A>G, p.Ile172Met (NM_001171988.2); short protein forms I172M.
Identifiers: ClinVar variation 3622519 (VCV003622519.2).